The following is an entry in ClinVar:

NM_001256627.2(BRSK2):c.2006T>A (p.Phe669Tyr)

Gene: BRSK2 (BR serine/threonine kinase 2; plus strand). Cytogenetic location: 11p15.5.
Variant type: single nucleotide variant.
Coding change: c.2006T>A on transcript NM_001256627.2 (MANE Select); coding-DNA position 2006, T replaced by A.
Protein change: p.Phe669Tyr; replaces phenylalanine 669 with tyrosine.
Molecular consequence: missense variant. On other transcripts: intron variant (15).
Genome position (GRCh38, 1-based): chr11:1,460,518, T>A. VCF-style: chr11-1460518-T-A. GRCh37 (hg19) VCF-style: chr11-1481748-T-A.
Other names: c.1826T>A, p.Phe609Tyr (NM_001440669.1); c.2420-452T>A (NM_001440665.1); c.2054-452T>A (NM_001440668.1); c.2006-452T>A (NM_001440670.1); c.2354-452T>A (NM_001440666.1); c.*10-452T>A (NM_001256629.2, NM_001282218.2); c.1988-452T>A (NM_003957.4); c.1808-452T>A (NM_001440674.1, NM_001440673.1, NM_001440675.1); and 5 more; short protein forms F609Y, F669Y.
Identifiers: ClinVar variation 4989035 (VCV004989035.1).
Genomic context (GRCh38, chr11:1,460,518, plus strand): 5'-TTCCTTTTTTTTTTTTTTTTTGTCTCTGTTCTGTGTACCCAGGCAGCCCATTGAGTAACT[T>A]CTTTGACGTAATTAAACAACTTTTTTCAGACGAGAAGAACGGGCAGGCGGCCCAGGCCCC-3'
Protein context (NP_001243556.1, residues 659-679): LSKCGSPLSN[Phe669Tyr]FDVIKQLFSD

ClinVar aggregate classification (germline): Uncertain significance (1 of 4 stars; one submission).

Conditions:
BRSK2-related disorder. Also called: BRSK2-related condition; BRSK2-Related Disorders.

Submission:

PreventionGenetics, part of Exact Sciences
Classification: Uncertain significance for BRSK2-related condition. Last evaluated: 2024-10-30. Review status: criteria provided, single submitter. Criteria: ACMG Guidelines, 2015. Collection method: clinical testing. Allele origin: germline.
Comment: The BRSK2 c.2006T>A variant is predicted to result in the amino acid substitution p.Phe669Tyr. To our knowledge, this variant has not been reported in the literature or in a large population database (gnomAD), indicating this variant is rare. At this time, the clinical significance of this variant is uncertain due to the absence of conclusive functional and genetic evidence.